The following is an entry in ClinVar:

NM_000257.4(MYH7):c.444C>A (p.Ser148Arg)

Gene: MYH7 (myosin heavy chain 7; minus strand). Cytogenetic location: 14q11.2.
Variant type: single nucleotide variant.
Coding change: c.444C>A on transcript NM_000257.4 (MANE Select); coding-DNA position 444, C replaced by A.
Protein change: p.Ser148Arg; replaces serine 148 with arginine.
Molecular consequence: missense variant.
Genome position (GRCh38, 1-based): chr14:23,432,697, G>T on the plus strand (C>A on the coding strand, the complement: MYH7 is on the minus strand). VCF-style: chr14-23432697-G-T. GRCh37 (hg19) VCF-style: chr14-23901906-G-T.
Other names: short protein forms S148R.
Identifiers: ClinVar variation 958967 (VCV000958967.9), dbSNP rs374466146, ClinGen allele CA389052809.

ClinVar aggregate classification (germline): Uncertain significance (1 of 4 stars; one submission).

Conditions:
Hypertrophic cardiomyopathy. Also called: HYPERTROPHIC MYOCARDIOPATHY. Identifiers: Orphanet 217569, MedGen C0007194, MeSH D002312, MONDO:0005045, HP:0001639.

Submission:

Labcorp Genetics (formerly Invitae), Labcorp
Classification: Uncertain significance for Hypertrophic cardiomyopathy. Last evaluated: 2022-03-19. Review status: criteria provided, single submitter. Criteria: Invitae Variant Classification Sherloc (09022015). Collection method: clinical testing. Allele origin: germline.
Comment: In summary, the available evidence is currently insufficient to determine the role of this variant in disease. Therefore, it has been classified as a Variant of Uncertain Significance. Algorithms developed to predict the effect of missense changes on protein structure and function are either unavailable or do not agree on the potential impact of this missense change (SIFT: "Deleterious"; PolyPhen-2: "Possibly Damaging"; Align-GVGD: "Class C0"). ClinVar contains an entry for this variant (Variation ID: 958967). This variant has not been reported in the literature in individuals affected with MYH7-related conditions. This variant is not present in population databases (gnomAD no frequency). This sequence change replaces serine, which is neutral and polar, with arginine, which is basic and polar, at codon 148 of the MYH7 protein (p.Ser148Arg).